The following is an entry in ClinVar:

NM_020832.3(ZNF687):c.1448G>C (p.Ser483Thr)

Gene: ZNF687 (zinc finger protein 687; plus strand). Cytogenetic location: 1q21.3.
Variant type: single nucleotide variant.
Coding change: c.1448G>C on transcript NM_020832.3 (MANE Select); coding-DNA position 1448, G replaced by C.
Protein change: p.Ser483Thr; replaces serine 483 with threonine.
Molecular consequence: missense variant.
Genome position (GRCh38, 1-based): chr1:151,287,739, G>C. VCF-style: chr1-151287739-G-C. GRCh37 (hg19) VCF-style: chr1-151260215-G-C.
Other names: c.1448G>C, p.Ser483Thr (NM_001304763.2, NM_001304764.2); short protein forms S483T.
Identifiers: ClinVar variation 1950764 (VCV001950764.5), dbSNP rs768369896, ClinGen allele CA341940813.

ClinVar aggregate classification (germline): Uncertain significance (1 of 4 stars; one submission).

Submission:

Labcorp Genetics (formerly Invitae), Labcorp
Classification: Uncertain significance. Last evaluated: 2025-08-18. Review status: criteria provided, single submitter. Criteria: Invitae Variant Classification Sherloc (09022015). Collection method: clinical testing. Allele origin: germline.
Comment: This sequence change replaces serine, which is neutral and polar, with threonine, which is neutral and polar, at codon 483 of the ZNF687 protein (p.Ser483Thr). This variant is not present in population databases (gnomAD no frequency). This variant has not been reported in the literature in individuals affected with ZNF687-related conditions. ClinVar contains an entry for this variant (Variation ID: 1950764). An algorithm developed to predict the effect of missense changes on protein structure and function (PolyPhen-2) suggests that this variant is likely to be tolerated. In summary, the available evidence is currently insufficient to determine the role of this variant in disease. Therefore, it has been classified as a Variant of Uncertain Significance.